The following is an entry in ClinVar:

ClinVar aggregate classification (germline): Benign/Likely benign. Review status: criteria provided, multiple submitters, no conflicts (2 of 4 stars). 6 submissions from 6 submitters: Benign (3); Likely benign (3). Last evaluated 2020-04-15.

Conditions:
CEDNIK syndrome. Also called: Cerebral dysgenesis, neuropathy, ichthyosis, and palmoplantar keratoderma; CEREBRAL DYSGENESIS, NEUROPATHY, ICHTHYOSIS, AND PALMOPLANTAR KERATODERMA SYNDROME. Identifiers: Orphanet 66631, MedGen C1836033, MONDO:0012290, OMIM 609528.

Allele frequency attached by ClinVar (database versions not stated): gnomAD exomes 0.00099 and 0.00236; ExAC 0.00302; gnomAD 0.01122 and 0.01038; ESP Exome Variant Server 0.00947; 1000 Genomes Project 0.00998; 1000 Genomes Project 30x 0.01046; TOPMed 0.01134.
gnomAD v4.1: 3,084 of 1,594,494 alleles (0.19%); highest among the groups gnomAD compares: African/African-American, 3.6%; 48 homozygotes.

Submissions (6):

Mayo Clinic Laboratories, Mayo Clinic
Classification: Benign. Last evaluated: 2020-04-15. Review status: criteria provided, single submitter. Criteria: ACMG Guidelines, 2015. Collection method: clinical testing. Allele origin: germline. Observed: 10 variant alleles.

GeneDx
Classification: Likely benign. Last evaluated: 2018-08-07. Review status: criteria provided, single submitter. Criteria: GeneDx Variant Classification Process June 2021. Collection method: clinical testing. Allele origin: germline. Affected: yes.

Illumina Laboratory Services, Illumina
Classification: Benign for CEDNIK syndrome. Last evaluated: 2018-01-13. Review status: criteria provided, single submitter. Criteria: ICSL Variant Classification Criteria 13 December 2019. Collection method: clinical testing. Allele origin: germline.
Comment: This variant was observed in the ICSL laboratory as part of a predisposition screen in an ostensibly healthy population. It had not been previously curated by ICSL or reported in the Human Gene Mutation Database (HGMD: prior to June 1st, 2018), and was therefore a candidate for classification through an automated scoring system. Utilizing variant allele frequency, disease prevalence and penetrance estimates, and inheritance mode, an automated score was calculated to assess if this variant is too frequent to cause the disease. Based on the score and internal cut-off values, a variant classified as benign is not then subjected to further curation. The score for this variant resulted in a classification of benign for this disease.

Athena Diagnostics
Classification: Likely benign. Last evaluated: 2017-02-02. Review status: criteria provided, single submitter. Criteria: Athena Diagnostics Criteria. Collection method: clinical testing. Allele origin: germline.

Genetic Services Laboratory, University of Chicago
Classification: Benign. Last evaluated: 2016-12-01. Review status: criteria provided, single submitter. Criteria: ACMG Guidelines, 2015. Collection method: clinical testing. Allele origin: germline. Affected: no.

Breakthrough Genomics
Classification: Likely benign. Review status: criteria provided, single submitter. Criteria: ACMG Guidelines, 2015. Collection method: not provided. Allele origin: germline. Inheritance: Autosomal recessive inheritance. Affected: yes.

NM_004782.4(SNAP29):c.-8C>G

Gene: SNAP29 (synaptosome associated protein 29; plus strand). Cytogenetic location: 22q11.21.
Variant type: single nucleotide variant.
Coding change: c.-8C>G on transcript NM_004782.4 (MANE Select); 8 bases upstream of the start codon, C replaced by G.
Molecular consequence: 5 prime UTR variant.
Genome position (GRCh38, 1-based): chr22:20,859,103, C>G. VCF-style: chr22-20859103-C-G. GRCh37 (hg19) VCF-style: chr22-21213391-C-G.
Identifiers: ClinVar variation 340827 (VCV000340827.13), dbSNP rs186825747, ClinGen allele CA10116976.